The following is an entry in ClinVar:

ClinVar aggregate classification (germline): Uncertain significance (1 of 4 stars; one submission).

Submission:

Labcorp Genetics (formerly Invitae), Labcorp
Classification: Uncertain significance. Last evaluated: 2025-02-18. Review status: criteria provided, single submitter. Criteria: Invitae Variant Classification Sherloc (09022015). Collection method: clinical testing. Allele origin: germline.
Comment: This sequence change replaces arginine, which is basic and polar, with histidine, which is basic and polar, at codon 414 of the SPTBN2 protein (p.Arg414His). This variant is present in population databases (no rsID available, gnomAD 0.003%). This variant has not been reported in the literature in individuals affected with SPTBN2-related conditions. Invitae Evidence Modeling of protein sequence and biophysical properties (such as structural, functional, and spatial information, amino acid conservation, physicochemical variation, residue mobility, and thermodynamic stability) indicates that this missense variant is not expected to disrupt SPTBN2 protein function with a negative predictive value of 80%. In summary, the available evidence is currently insufficient to determine the role of this variant in disease. Therefore, it has been classified as a Variant of Uncertain Significance.

NM_006946.4(SPTBN2):c.1241G>A (p.Arg414His)

Gene: SPTBN2 (spectrin beta, non-erythrocytic 2; minus strand). Cytogenetic location: 11q13.2.
Variant type: single nucleotide variant.
Coding change: c.1241G>A on transcript NM_006946.4 (MANE Select); coding-DNA position 1241, G replaced by A.
Protein change: p.Arg414His; replaces arginine 414 with histidine.
Molecular consequence: missense variant.
Genome position (GRCh38, 1-based): chr11:66,708,250, C>T on the plus strand (G>A on the coding strand, the complement: SPTBN2 is on the minus strand). VCF-style: chr11-66708250-C-T. GRCh37 (hg19) VCF-style: chr11-66475721-C-T.
Other names: c.1262G>A, p.Arg421His (NM_001411025.1); c.1241G>A, p.Arg414His (NM_001437541.1); short protein forms R414H, R421H.
Identifiers: ClinVar variation 4767249 (VCV004767249.1).